The following is an entry in ClinVar:

NM_001164508.2(NEB):c.2456A>G (p.Lys819Arg)

Gene: NEB (nebulin; minus strand). Cytogenetic location: 2q23.3.
Variant type: single nucleotide variant.
Coding change: c.2456A>G on transcript NM_001164508.2 (MANE Select); coding-DNA position 2456, A replaced by G.
Protein change: p.Lys819Arg; replaces lysine 819 with arginine.
Molecular consequence: missense variant.
Genome position (GRCh38, 1-based): chr2:151,687,693, T>C on the plus strand (A>G on the coding strand, the complement: NEB is on the minus strand). VCF-style: chr2-151687693-T-C. GRCh37 (hg19) VCF-style: chr2-152544207-T-C.
Other names: c.2456A>G, p.Lys819Arg (NM_001164507.2, NM_001271208.2, NM_004543.5); short protein forms K819R.
Identifiers: ClinVar variation 3615721 (VCV003615721.2).

ClinVar aggregate classification (germline): Uncertain significance (1 of 4 stars; one submission).

Conditions:
Nemaline myopathy 2 (NEM2). Also called: Nemaline myopathy 2, autosomal recessive. Identifiers: MedGen C1850569, MONDO:0009725, OMIM 256030.

gnomAD v4.1: 10 of 1,601,270 alleles (0.00062%); highest among the groups gnomAD compares: Admixed American, 0.0035%; no homozygotes.

Submission:

Labcorp Genetics (formerly Invitae), Labcorp
Classification: Uncertain significance for Nemaline myopathy 2. Last evaluated: 2024-10-22. Review status: criteria provided, single submitter. Criteria: Invitae Variant Classification Sherloc (09022015). Collection method: clinical testing. Allele origin: germline.
Comment: This sequence change replaces lysine, which is basic and polar, with arginine, which is basic and polar, at codon 819 of the NEB protein (p.Lys819Arg). This variant is present in population databases (rs759416795, gnomAD 0.007%). This variant has not been reported in the literature in individuals affected with NEB-related conditions. Experimental studies and prediction algorithms are not available or were not evaluated, and the functional significance of this variant is currently unknown. In summary, the available evidence is currently insufficient to determine the role of this variant in disease. Therefore, it has been classified as a Variant of Uncertain Significance.